The following is an entry in ClinVar:

ClinVar aggregate classification (germline): Uncertain significance (1 of 4 stars; one submission).

Allele frequency attached by ClinVar (database versions not stated): gnomAD exomes below 0.00001.

Submission:

Labcorp Genetics (formerly Invitae), Labcorp
Classification: Uncertain significance. Last evaluated: 2022-09-03. Review status: criteria provided, single submitter. Criteria: Invitae Variant Classification Sherloc (09022015). Collection method: clinical testing. Allele origin: germline.
Comment: In summary, the available evidence is currently insufficient to determine the role of this variant in disease. Therefore, it has been classified as a Variant of Uncertain Significance. Algorithms developed to predict the effect of missense changes on protein structure and function (SIFT, PolyPhen-2, Align-GVGD) all suggest that this variant is likely to be disruptive. This variant has not been reported in the literature in individuals affected with GEN1-related conditions. This variant is not present in population databases (gnomAD no frequency). This sequence change replaces phenylalanine, which is neutral and non-polar, with serine, which is neutral and polar, at codon 159 of the GEN1 protein (p.Phe159Ser).

NM_001130009.3(GEN1):c.476T>C (p.Phe159Ser)

Gene: GEN1 (GEN1 structure-specific endonuclease; plus strand). Cytogenetic location: 2p24.2.
Variant type: single nucleotide variant.
Coding change: c.476T>C on transcript NM_001130009.3 (MANE Select); coding-DNA position 476, T replaced by C.
Protein change: p.Phe159Ser; replaces phenylalanine 159 with serine.
Molecular consequence: missense variant.
Genome position (GRCh38, 1-based): chr2:17,765,024, T>C. VCF-style: chr2-17765024-T-C. GRCh37 (hg19) VCF-style: chr2-17946291-T-C.
Other names: c.476T>C, p.Phe159Ser (NM_182625.5); short protein forms F159S.
Identifiers: ClinVar variation 1945009 (VCV001945009.5), dbSNP rs2545557504, ClinGen allele CA345909665.